The following is an entry in ClinVar:

ClinVar aggregate classification (germline): Uncertain significance (1 of 4 stars; one submission).

Allele frequency attached by ClinVar (database versions not stated): TOPMed below 0.00001.

Submission:

Ambry Genetics
Classification: Uncertain significance. Last evaluated: 2022-11-18. Review status: criteria provided, single submitter. Criteria: Ambry Variant Classification Scheme 2023. Collection method: clinical testing. Allele origin: germline.
Comment: The p.E159K variant (also known as c.475G>A), located in coding exon 5 of the PRKDC gene, results from a G to A substitution at nucleotide position 475. The glutamic acid at codon 159 is replaced by lysine, an amino acid with similar properties. This amino acid position is conserved. In addition, the in silico prediction for this alteration is inconclusive. Since supporting evidence is limited at this time, the clinical significance of this alteration remains unclear.

NM_006904.7(PRKDC):c.475G>A (p.Glu159Lys)

Gene: PRKDC (protein kinase, DNA-activated, catalytic subunit; minus strand). Cytogenetic location: 8q11.21.
Variant type: single nucleotide variant.
Coding change: c.475G>A on transcript NM_006904.7 (MANE Select); coding-DNA position 475, G replaced by A.
Protein change: p.Glu159Lys; replaces glutamic acid 159 with lysine.
Molecular consequence: missense variant.
Genome position (GRCh38, 1-based): chr8:47,954,371, C>T on the plus strand (G>A on the coding strand, the complement: PRKDC is on the minus strand). VCF-style: chr8-47954371-C-T. GRCh37 (hg19) VCF-style: chr8-48866931-C-T.
Other names: c.475G>A, p.Glu159Lys (NM_001081640.2); short protein forms E159K.
Identifiers: ClinVar variation 2497393 (VCV002497393.2), dbSNP rs1243201573, ClinGen allele CA371139068.
Genomic context (GRCh38, chr8:47,954,371, plus strand): 5'-TGAAAATAACATGTAAATGCATCTCACCTGTATCTGGTATTTTTTTTTTCAATGCAAGTT[C>T]TCCATAGAATTTACTAAATAATTCTCCAATTTTAAATTCATCCATGAGTCTAGAACTTCT-3'
Protein context (NP_008835.5, residues 149-169): IGELFSKFYG[Glu159Lys]LALKKKIPDT